The following is an entry in ClinVar:

ClinVar aggregate classification (germline): Likely benign (1 of 4 stars; one submission).

Allele frequency attached by ClinVar (database versions not stated): 1000 Genomes Project 0.00040; 1000 Genomes Project 30x 0.00047.
gnomAD v4.1: 184 of 1,613,232 alleles (0.011%); highest among the groups gnomAD compares: South Asian, 0.1%; no homozygotes.

Submission:

CeGaT Center for Human Genetics Tuebingen
Classification: Likely benign. Last evaluated: 2024-07-01. Review status: criteria provided, single submitter. Criteria: CeGaT Center For Human Genetics Tuebingen Variant Classification Criteria Version 2. Collection method: clinical testing. Allele origin: germline. Affected: yes. Observed: 2 variant alleles.
Comment: SLC45A1: BP4

NM_001080397.3(SLC45A1):c.1997C>T (p.Ala666Val)

Gene: SLC45A1 (solute carrier family 45 member 1; plus strand). Cytogenetic location: 1p36.23.
Variant type: single nucleotide variant.
Coding change: c.1997C>T on transcript NM_001080397.3 (MANE Select); coding-DNA position 1997, C replaced by T.
Protein change: p.Ala666Val; replaces alanine 666 with valine.
Molecular consequence: missense variant.
Genome position (GRCh38, 1-based): chr1:8,343,763, C>T. VCF-style: chr1-8343763-C-T. GRCh37 (hg19) VCF-style: chr1-8403823-C-T.
Other names: c.2021C>T, p.Ala674Val (NM_001379614.1); c.1928C>T, p.Ala643Val (NM_001379615.1); c.1904C>T, p.Ala635Val (NM_001379616.1); c.1415C>T, p.Ala472Val (NM_001379617.1); c.1391C>T, p.Ala464Val (NM_001379618.1); short protein forms A464V, A472V, A635V, A643V, A666V, A674V.
Identifiers: ClinVar variation 2638156 (VCV002638156.24), dbSNP rs552541561, ClinGen allele CA570608.